The following is an entry in ClinVar:

ClinVar aggregate classification (germline): Uncertain significance. Review status: criteria provided, multiple submitters, no conflicts (2 of 4 stars). 4 submissions from 3 submitters: Uncertain significance (4). Last evaluated 2023-01-23.

Conditions:
Inborn genetic diseases. Identifiers: MedGen C0950123, MeSH D030342.
Retinitis pigmentosa (RP). Identifiers: Orphanet 791, MedGen C0035334, MeSH D012174, MONDO:0019200, OMIM 268000. Inheritance: Autosomal dominant, autosomal recessive and X linked inheritance.
Enhanced S-cone syndrome (ESCS). Identifiers: Orphanet 53540, MedGen C1849394, MONDO:0100288, MONDO:0009989.

Submissions (4):

Ambry Genetics
Classification: Uncertain significance for Inborn genetic diseases. Last evaluated: 2023-01-23. Review status: criteria provided, single submitter. Criteria: Ambry Variant Classification Scheme 2023. Collection method: clinical testing. Allele origin: germline.

Labcorp Genetics (formerly Invitae), Labcorp
Classification: Uncertain significance. Last evaluated: 2022-12-15. Review status: criteria provided, single submitter. Criteria: Invitae Variant Classification Sherloc (09022015). Collection method: clinical testing. Allele origin: germline.
Comment: Advanced modeling of protein sequence and biophysical properties (such as structural, functional, and spatial information, amino acid conservation, physicochemical variation, residue mobility, and thermodynamic stability) performed at Invitae indicates that this missense variant is expected to disrupt NR2E3 protein function. In summary, the available evidence is currently insufficient to determine the role of this variant in disease. Therefore, it has been classified as a Variant of Uncertain Significance. ClinVar contains an entry for this variant (Variation ID: 317005). This variant has not been reported in the literature in individuals affected with NR2E3-related conditions. This variant is not present in population databases (gnomAD no frequency). This sequence change replaces serine, which is neutral and polar, with arginine, which is basic and polar, at codon 74 of the NR2E3 protein (p.Ser74Arg).

Illumina Laboratory Services, Illumina
Classification: Uncertain significance for ENHANCED S-CONE SYNDROME 1. Last evaluated: 2018-01-12. Review status: criteria provided, single submitter. Criteria: ICSL Variant Classification Criteria 13 December 2019. Collection method: clinical testing. Allele origin: germline.

Illumina Laboratory Services, Illumina
Classification: Uncertain significance for Retinitis pigmentosa. Last evaluated: 2018-01-12. Review status: criteria provided, single submitter. Criteria: ICSL Variant Classification Criteria 13 December 2019. Collection method: clinical testing. Allele origin: germline.

NM_014249.4(NR2E3):c.222C>G (p.Ser74Arg)

Gene: NR2E3 (nuclear receptor subfamily 2 group E member 3; plus strand). Cytogenetic location: 15q23.
Variant type: single nucleotide variant.
Coding change: c.222C>G on transcript NM_014249.4 (MANE Select); coding-DNA position 222, C replaced by G.
Protein change: p.Ser74Arg; replaces serine 74 with arginine.
Molecular consequence: missense variant.
Genome position (GRCh38, 1-based): chr15:71,811,586, C>G. VCF-style: chr15-71811586-C-G. GRCh37 (hg19) VCF-style: chr15-72103926-C-G.
Other names: c.222C>G, p.Ser74Arg (NM_016346.4); c.222C>G (NM_014249.2); short protein forms S74R.
Identifiers: ClinVar variation 317005 (VCV000317005.11), dbSNP rs767304567, ClinGen allele CA10642514.